The following is an entry in ClinVar:

NM_024334.3(TMEM43):c.458C>T (p.Ser153Leu)

Gene: TMEM43 (transmembrane protein 43; plus strand). Cytogenetic location: 3p25.1.
Variant type: single nucleotide variant.
Coding change: c.458C>T on transcript NM_024334.3 (MANE Select); coding-DNA position 458, C replaced by T.
Protein change: p.Ser153Leu; replaces serine 153 with leucine.
Molecular consequence: missense variant.
Genome position (GRCh38, 1-based): chr3:14,132,881, C>T. VCF-style: chr3-14132881-C-T. GRCh37 (hg19) VCF-style: chr3-14174381-C-T.
Other names: short protein forms S153L.
Identifiers: ClinVar variation 927252 (VCV000927252.18), dbSNP rs1369869806, ClinGen allele CA351535132.

ClinVar aggregate classification (germline): Uncertain significance. Review status: criteria provided, multiple submitters, no conflicts (2 of 4 stars). 6 submissions from 6 submitters: Uncertain significance (6). Last evaluated 2025-12-22.

Conditions:
Auditory neuropathy, autosomal dominant 3 (AUNA3). Identifiers: MedGen C5676964, MONDO:0859235, OMIM 619832.
Emery-Dreifuss muscular dystrophy 7, autosomal dominant (EDMD7). Also called: Emery-Dreifuss muscular dystrophy 7, AD. Identifiers: Orphanet 261, MedGen C3553060, MONDO:0013677, OMIM 614302.
Arrhythmogenic right ventricular dysplasia 5. Also called: Arrhythmogenic Right Ventricular Dysplasia/Cardiomyopathy 5; ARRHYTHMOGENIC RIGHT VENTRICULAR DYSPLASIA, FAMILIAL, 5. Identifiers: MedGen C1858379, MONDO:0011459, OMIM 604400.
Cardiovascular phenotype. Identifiers: MedGen CN230736.
Cardiomyopathy (CMYO). Also called: Cardiomyopathies. Identifiers: Orphanet 167848, MedGen C0878544, MONDO:0004994, HP:0001638. Inheritance: Various modes of inheritance.

Allele frequency attached by ClinVar (database versions not stated): TOPMed below 0.00001; gnomAD exomes 0.00001.
gnomAD v4.1: 8 of 1,613,962 alleles (0.0005%); highest among the groups gnomAD compares: Non-Finnish European, 0.00068%; no homozygotes.

Submissions (6):

Labcorp Genetics (formerly Invitae), Labcorp
Classification: Uncertain significance for Arrhythmogenic right ventricular dysplasia 5. Last evaluated: 2025-12-22. Review status: criteria provided, single submitter. Criteria: Invitae Variant Classification Sherloc (09022015). Collection method: clinical testing. Allele origin: germline.
Comment: This sequence change replaces serine, which is neutral and polar, with leucine, which is neutral and non-polar, at codon 153 of the TMEM43 protein (p.Ser153Leu). This variant is not present in population databases (gnomAD no frequency). This variant has not been reported in the literature in individuals affected with TMEM43-related conditions. ClinVar contains an entry for this variant (Variation ID: 927252). Invitae Evidence Modeling of protein sequence and biophysical properties (such as structural, functional, and spatial information, amino acid conservation, physicochemical variation, residue mobility, and thermodynamic stability) indicates that this missense variant is expected to disrupt TMEM43 protein function with a positive predictive value of 80%. Algorithms developed to predict the effect of sequence changes on RNA splicing suggest that this variant may disrupt the consensus splice site. In summary, the available evidence is currently insufficient to determine the role of this variant in disease. Therefore, it has been classified as a Variant of Uncertain Significance.

Color Diagnostics, LLC DBA Color Health
Classification: Uncertain significance for Cardiomyopathy. Last evaluated: 2024-03-06. Review status: criteria provided, single submitter. Criteria: ACMG Guidelines, 2015. Collection method: clinical testing. Allele origin: germline.
Comment: This missense variant replaces serine with leucine at codon 153 of the TMEM43 protein. Computational prediction suggests that this variant may not impact protein structure and function (internally defined REVEL score threshold <= 0.5, PMID: 27666373). To our knowledge, functional studies have not been reported for this variant. This variant has not been reported in individuals affected with TMEM43-related disorders in the literature. This variant has not been identified in the general population by the Genome Aggregation Database (gnomAD). The available evidence is insufficient to determine the role of this variant in disease conclusively. Therefore, this variant is classified as a Variant of Uncertain Significance.

All of Us Research Program, National Institutes of Health
Classification: Uncertain significance for Arrhythmogenic right ventricular dysplasia 5. Last evaluated: 2023-04-03. Review status: criteria provided, single submitter. Criteria: ACMG Guidelines, 2015. Collection method: clinical testing. Allele origin: germline. Inheritance: Autosomal dominant inheritance. Observed: 2 variant alleles, 2 heterozygotes.
Comment: This missense variant replaces serine with leucine at codon 153 of the TMEM43 protein. Computational prediction suggests that this variant may not impact protein structure and function (internally defined REVEL score threshold <= 0.5, PMID: 27666373). To our knowledge, functional studies have not been reported for this variant. This variant has not been reported in individuals affected with cardiovascular disorders in the literature. This variant has not been identified in the general population by the Genome Aggregation Database (gnomAD). The available evidence is insufficient to determine the role of this variant in disease conclusively. Therefore, this variant is classified as a Variant of Uncertain Significance.

This study involves interpretation of variants in research participants for the purpose of population health screening. Participant phenotype was not available at the time of variant classification. Additional details can be found in publication PMID: 35346344, PMCID: PMC8962531

Ambry Genetics
Classification: Uncertain significance for Cardiovascular phenotype. Last evaluated: 2022-07-10. Review status: criteria provided, single submitter. Criteria: Ambry Variant Classification Scheme 2023. Collection method: clinical testing. Allele origin: germline.
Comment: The p.S153L variant (also known as c.458C>T), located in coding exon 6 of the TMEM43 gene, results from a C to T substitution at nucleotide position 458. The serine at codon 153 is replaced by leucine, an amino acid with dissimilar properties. This amino acid position is conserved. In addition, the in silico prediction for this alteration is inconclusive. Since supporting evidence is limited at this time, the clinical significance of this alteration remains unclear.

Fulgent Genetics
Classification: Uncertain significance for Arrhythmogenic right ventricular dysplasia 5; Emery-Dreifuss muscular dystrophy 7, autosomal dominant; Auditory neuropathy, autosomal dominant 3. Last evaluated: 2021-10-15. Review status: criteria provided, single submitter. Criteria: ACMG Guidelines, 2015. Collection method: clinical testing. Allele origin: unknown.

Revvity Omics, Revvity
Classification: Uncertain significance. Last evaluated: 2021-06-10. Review status: criteria provided, single submitter. Criteria: ACMG Guidelines, 2015. Collection method: clinical testing. Allele origin: germline.